The following is an entry in ClinVar:

ClinVar aggregate classification (germline): Uncertain significance. Review status: criteria provided, multiple submitters, no conflicts (2 of 4 stars). 3 submissions from 3 submitters: Uncertain significance (2). 1 of the submissions does not count toward it. Last evaluated 2023-03-08.

Conditions:
Leukoencephalopathy, acute reversible, with increased urinary alpha-ketoglutarate. Identifiers: Orphanet 615964, MedGen C5193068, MONDO:0032716, OMIM 618384.
Prostate cancer. Also called: Malignant tumor of prostate. Identifiers: Orphanet 1331, MedGen C0376358, MONDO:0008315, HP:0012125.

Allele frequency attached by ClinVar (database versions not stated): ESP Exome Variant Server 0.00008; ExAC 0.00014; gnomAD 0.00015 and 0.00011; 1000 Genomes Project 0.00080; TOPMed 0.00019; 1000 Genomes Project 30x 0.00125; gnomAD exomes 0.00016.
gnomAD v4.1: 273 of 1,614,010 alleles (0.017%); highest among the groups gnomAD compares: East Asian, 0.049%; no homozygotes.

Submissions (3):

Labcorp Genetics (formerly Invitae), Labcorp
Classification: Uncertain significance. Last evaluated: 2023-03-08. Review status: criteria provided, single submitter. Criteria: Invitae Variant Classification Sherloc (09022015). Collection method: clinical testing. Allele origin: germline.
Comment: In summary, the available evidence is currently insufficient to determine the role of this variant in disease. Therefore, it has been classified as a Variant of Uncertain Significance. Advanced modeling of protein sequence and biophysical properties (such as structural, functional, and spatial information, amino acid conservation, physicochemical variation, residue mobility, and thermodynamic stability) has been performed at Invitae for this missense variant, however the output from this modeling did not meet the statistical confidence thresholds required to predict the impact of this variant on SLC13A3 protein function. ClinVar contains an entry for this variant (Variation ID: 161765). This variant has not been reported in the literature in individuals affected with SLC13A3-related conditions. This variant is present in population databases (rs188700676, gnomAD 0.1%), and has an allele count higher than expected for a pathogenic variant. This sequence change replaces arginine, which is basic and polar, with glutamine, which is neutral and polar, at codon 546 of the SLC13A3 protein (p.Arg546Gln).

Baylor Genetics
Classification: Uncertain significance for Leukoencephalopathy, acute reversible, with increased urinary alpha-ketoglutarate. Last evaluated: 2020-03-09. Review status: criteria provided, single submitter. Criteria: ACMG Guidelines, 2015. Collection method: clinical testing. Allele origin: unknown. Affected: yes.
Comment: This variant was determined to be of uncertain significance according to ACMG Guidelines, 2015 [PMID:25741868].

Science for Life laboratory,  Karolinska Institutet
Classification: Uncertain significance for Malignant tumor of prostate. Review status: no assertion criteria provided. Collection method: not provided. Allele origin: somatic. Not counted in ClinVar's aggregate classification.
Comment: TumorID:SWE-92A
ClinVar note: Converted during submission from Unknown to Uncertain significance.

NM_022829.6(SLC13A3):c.1637G>A (p.Arg546Gln)

Gene: SLC13A3 (solute carrier family 13 member 3; minus strand). Cytogenetic location: 20q13.12.
Variant type: single nucleotide variant.
Coding change: c.1637G>A on transcript NM_022829.6 (MANE Select); coding-DNA position 1637, G replaced by A.
Protein change: p.Arg546Gln; replaces arginine 546 with glutamine.
Molecular consequence: missense variant.
Genome position (GRCh38, 1-based): chr20:46,560,194, C>T on the plus strand (G>A on the coding strand, the complement: SLC13A3 is on the minus strand). VCF-style: chr20-46560194-C-T. GRCh37 (hg19) VCF-style: chr20-45188833-C-T.
Other names: c.1496G>A, p.Arg499Gln (NM_001011554.3); c.1487G>A, p.Arg496Gln (NM_001193339.2); c.1391G>A, p.Arg464Gln (NM_001193340.2); c.1343G>A, p.Arg448Gln (NM_001193342.2); short protein forms R546Q, R499Q, R496Q, R464Q, R448Q.
Identifiers: ClinVar variation 161765 (VCV000161765.6), dbSNP rs188700676, ClinGen allele CA174744.
Genomic context (GRCh38, chr20:46,560,194, plus strand): 5'-CAGGTATTCATAGCCAAACTGAGCAGCAGGACACCCATCAGGTTCATCAGGAGGCCTGTC[C>T]GCACCTGAAATAGAGCCCAGACAGAGGGAGGGGTCAGCACCTGACCCACCATACAGATGG-3'
Protein context (NP_073740.2, residues 536-556): SGHLLVKDMV[Arg546Gln]TGLLMNLMGV